The following is an entry in ClinVar:

ClinVar aggregate classification (germline): Uncertain significance (1 of 4 stars; one submission).

Conditions:
Epidermolysis bullosa simplex 3, localized or generalized intermediate, with BP230 deficiency (EBS3). Also called: Epidermolysis bullosa simplex due to BP230 deficiency; Epidermolysis bullosa simplex, autosomal recessive 2. Identifiers: Orphanet 412181, MedGen C3809470, MONDO:0014180, OMIM 615425.
Hereditary sensory and autonomic neuropathy type 6. Also called: Neuropathy, hereditary sensory and autonomic, type VI; HSAN VI. Identifiers: Orphanet 314381, MedGen C3539003, MONDO:0013839, OMIM 614653.

Allele frequency attached by ClinVar (database versions not stated): gnomAD exomes 0.00001.
gnomAD v4.1: 7 of 1,590,286 alleles (0.00044%); highest among the groups gnomAD compares: Non-Finnish European, 0.0006%; no homozygotes.

Submission:

Labcorp Genetics (formerly Invitae), Labcorp
Classification: Uncertain significance for Epidermolysis bullosa simplex 3, localized or generalized intermediate, with BP230 deficiency; Hereditary sensory and autonomic neuropathy type 6. Last evaluated: 2023-08-04. Review status: criteria provided, single submitter. Criteria: Invitae Variant Classification Sherloc (09022015). Collection method: clinical testing. Allele origin: germline.
Comment: The DST gene has multiple clinically relevant transcripts. This variant occurs in alternate transcript NM_015548.4, and corresponds to NM_001723.5:c.*16829G>A in the primary transcript. This sequence change replaces glycine, which is neutral and non-polar, with arginine, which is basic and polar, at codon 1283 of the DST protein (p.Gly1283Arg). This variant is not present in population databases (gnomAD no frequency). This variant has not been reported in the literature in individuals affected with DST-related conditions. Experimental studies and prediction algorithms are not available or were not evaluated, and the functional significance of this variant is currently unknown. In summary, the available evidence is currently insufficient to determine the role of this variant in disease. Therefore, it has been classified as a Variant of Uncertain Significance.

NM_001374736.1(DST):c.11716G>A (p.Gly3906Arg)

Gene: DST (dystonin; minus strand). Cytogenetic location: 6p12.1.
Variant type: single nucleotide variant.
Coding change: c.11716G>A on transcript NM_001374736.1 (MANE Select); coding-DNA position 11716, G replaced by A.
Protein change: p.Gly3906Arg; replaces glycine 3906 with arginine.
Molecular consequence: missense variant.
Genome position (GRCh38, 1-based): chr6:56,598,688, C>T on the plus strand (G>A on the coding strand, the complement: DST is on the minus strand). VCF-style: chr6-56598688-C-T. GRCh37 (hg19) VCF-style: chr6-56463486-C-T.
Other names: c.5359G>A, p.Gly1787Arg (NM_001144769.5); c.4945G>A, p.Gly1649Arg (NM_001144770.2); c.11716G>A, p.Gly3906Arg (NM_001374722.1); c.11083G>A, p.Gly3695Arg (NM_001374729.1); c.4825G>A, p.Gly1609Arg (NM_001374730.1, NM_001386100.1, NM_183380.4); c.11743G>A, p.Gly3915Arg (NM_001374734.1); c.3847G>A, p.Gly1283Arg (NM_015548.5); short protein forms G1283R, G1787R, G3915R, G1609R, G3906R, G1649R, G3695R.
Identifiers: ClinVar variation 2182620 (VCV002182620.4), dbSNP rs2536248876, ClinGen allele CA364529374.